The following is an entry in ClinVar:

NM_000297.4(PKD2):c.386C>G (p.Ser129Trp)

Genes: PKD2 (polycystin 2, transient receptor potential cation channel; plus strand), LOC129992813 (ATAC-STARR-seq lymphoblastoid silent region 15559; plus strand). Cytogenetic location: 4q22.1.
Variant type: single nucleotide variant.
Coding change: c.386C>G on transcript NM_000297.4 (MANE Select); coding-DNA position 386, C replaced by G.
Protein change: p.Ser129Trp; replaces serine 129 with tryptophan.
Molecular consequence: missense variant. On other transcripts: non-coding transcript variant (1).
Genome position (GRCh38, 1-based): chr4:88,008,119, C>G. VCF-style: chr4-88008119-C-G. GRCh37 (hg19) VCF-style: chr4-88929271-C-G.
Other names: short protein forms S129W.
Identifiers: ClinVar variation 2086126 (VCV002086126.11), dbSNP rs1032445911, ClinGen allele CA100873229.

ClinVar aggregate classification (germline): Uncertain significance. Review status: criteria provided, multiple submitters, no conflicts (2 of 4 stars). 4 submissions from 4 submitters: Uncertain significance (4). Last evaluated 2026-01-29.

Conditions:
Inborn genetic diseases. Identifiers: MedGen C0950123, MeSH D030342.
Autosomal dominant polycystic kidney disease. Identifiers: Orphanet 730, MedGen C0085413, MONDO:0004691.
Polycystic kidney disease 2 (PKD2). Also called: POLYCYSTIC KIDNEY DISEASE, ADULT, TYPE II; Polycystic Kidney Disease 2, Autosomal Dominant; POLYCYSTIC KIDNEY DISEASE 2 WITH OR WITHOUT POLYCYSTIC LIVER DISEASE. Identifiers: MedGen C2751306, MONDO:0013131, OMIM 613095.

Allele frequency attached by ClinVar (database versions not stated): gnomAD 0.00001; TOPMed 0.00002.
gnomAD v4.1: 57 of 1,503,508 alleles (0.0038%); highest among the groups gnomAD compares: Non-Finnish European, 0.005%; no homozygotes.

Submissions (4):

GeneDx
Classification: Uncertain significance. Last evaluated: 2026-01-29. Review status: criteria provided, single submitter. Criteria: GeneDx Variant Classification Process June 2021. Collection method: clinical testing. Allele origin: germline.
Comment: In silico analysis suggests that this missense variant does not alter protein structure/function; Has not been previously published as pathogenic or benign to our knowledge

Labcorp Genetics (formerly Invitae), Labcorp
Classification: Uncertain significance for Autosomal dominant polycystic kidney disease. Last evaluated: 2025-12-13. Review status: criteria provided, single submitter. Criteria: Invitae Variant Classification Sherloc (09022015). Collection method: clinical testing. Allele origin: germline.
Comment: This sequence change replaces serine, which is neutral and polar, with tryptophan, which is neutral and slightly polar, at codon 129 of the PKD2 protein (p.Ser129Trp). This variant is present in population databases (no rsID available, gnomAD 0.009%). This variant has not been reported in the literature in individuals affected with PKD2-related conditions. ClinVar contains an entry for this variant (Variation ID: 2086126). An algorithm developed to predict the effect of missense changes on protein structure and function (PolyPhen-2) suggests that this variant is likely to be disruptive. In summary, the available evidence is currently insufficient to determine the role of this variant in disease. Therefore, it has been classified as a Variant of Uncertain Significance.

Ambry Genetics
Classification: Uncertain significance for Inborn genetic diseases. Last evaluated: 2025-05-04. Review status: criteria provided, single submitter. Criteria: Ambry Variant Classification Scheme 2023. Collection method: clinical testing. Allele origin: germline.

Revvity Omics, Revvity
Classification: Uncertain significance for Polycystic kidney disease 2. Last evaluated: 2020-09-24. Review status: criteria provided, single submitter. Criteria: ACMG Guidelines, 2015. Collection method: clinical testing. Allele origin: germline.